The following is an entry in ClinVar:

ClinVar aggregate classification (germline): Uncertain significance (1 of 4 stars; one submission).

Allele frequency attached by ClinVar (database versions not stated): ExAC 0.00001.

Submission:

CeGaT Center for Human Genetics Tuebingen
Classification: Uncertain significance. Last evaluated: 2023-08-01. Review status: criteria provided, single submitter. Criteria: CeGaT Center For Human Genetics Tuebingen Variant Classification Criteria Version 2. Collection method: clinical testing. Allele origin: germline. Affected: yes. Observed: 1 variant allele.
Comment: MACF1: PM2, BP4

NM_001394062.1(MACF1):c.12453+8C>A

Gene: MACF1 (microtubule actin crosslinking factor 1; plus strand). Cytogenetic location: 1p34.3.
Variant type: single nucleotide variant.
Coding change: c.12453+8C>A on transcript NM_001394062.1 (MANE Select); 8 bases into the intron after coding-DNA position 12453, C replaced by A.
Molecular consequence: intron variant.
Genome position (GRCh38, 1-based): chr1:39,361,009, C>A. VCF-style: chr1-39361009-C-A. GRCh37 (hg19) VCF-style: chr1-39826681-C-A.
Other names: c.6267+8C>A (NM_012090.5).
Identifiers: ClinVar variation 2638700 (VCV002638700.24), dbSNP rs749153036, ClinGen allele CA781804.